The following is an entry in ClinVar:

NM_005754.3(G3BP1):c.389T>C (p.Ile130Thr)

Gene: G3BP1 (G3BP stress granule assembly factor 1; plus strand). Cytogenetic location: 5q33.1.
Variant type: single nucleotide variant.
Coding change: c.389T>C on transcript NM_005754.3 (MANE Select); coding-DNA position 389, T replaced by C.
Protein change: p.Ile130Thr; replaces isoleucine 130 with threonine.
Molecular consequence: missense variant.
Genome position (GRCh38, 1-based): chr5:151,794,196, T>C. VCF-style: chr5-151794196-T-C. GRCh37 (hg19) VCF-style: chr5-151173757-T-C.
Other names: c.389T>C, p.Ile130Thr (NM_198395.2); short protein forms I130T.
Identifiers: ClinVar variation 3777390 (VCV003777390.1).

ClinVar aggregate classification (germline): Uncertain significance (1 of 4 stars; one submission).

gnomAD v4.1: 1 of 1,610,906 alleles (0.000062%); highest among the groups gnomAD compares: African/African-American, 0.0013%; no homozygotes.

Submission:

GeneDx
Classification: Uncertain significance. Last evaluated: 2024-10-10. Review status: criteria provided, single submitter. Criteria: GeneDx Variant Classification Process June 2021. Collection method: clinical testing. Allele origin: germline. Affected: yes.
Comment: Not observed at significant frequency in large population cohorts (gnomAD); In silico analysis supports that this missense variant has a deleterious effect on protein structure/function; Has not been previously published as pathogenic or benign to our knowledge